The following is an entry in ClinVar:

ClinVar aggregate classification (germline): Likely pathogenic (1 of 4 stars; one submission).

Conditions:
Primary ciliary dyskinesia. Also called: Ciliary dyskinesia. Identifiers: Orphanet 244, MedGen C0008780, MONDO:0016575, HP:0012265.

Allele frequency attached by ClinVar (database versions not stated): gnomAD exomes below 0.00001; TOPMed below 0.00001.
gnomAD v4.1: 3 of 1,544,912 alleles (0.00019%); highest among the groups gnomAD compares: African/African-American, 0.0041%; no homozygotes.

Submission:

Labcorp Genetics (formerly Invitae), Labcorp
Classification: Likely pathogenic for Primary ciliary dyskinesia. Last evaluated: 2023-11-05. Review status: criteria provided, single submitter. Criteria: Invitae Variant Classification Sherloc (09022015). Collection method: clinical testing. Allele origin: germline.
Comment: This sequence change affects a donor splice site in intron 14 of the DNAH11 gene. It is expected to disrupt RNA splicing. Variants that disrupt the donor or acceptor splice site typically lead to a loss of protein function (PMID: 16199547), and loss-of-function variants in DNAH11 are known to be pathogenic (PMID: 18022865, 20513915, 22184204). This variant is not present in population databases (gnomAD no frequency). This variant has not been reported in the literature in individuals affected with DNAH11-related conditions. Algorithms developed to predict the effect of sequence changes on RNA splicing suggest that this variant may disrupt the consensus splice site. In summary, the currently available evidence indicates that the variant is pathogenic, but additional data are needed to prove that conclusively. Therefore, this variant has been classified as Likely Pathogenic.

Literature cited by the submitters: PubMed 16199547; PubMed 18022865; PubMed 20513915; PubMed 22184204.

NM_001277115.2(DNAH11):c.2667+1G>C

Gene: DNAH11 (dynein axonemal heavy chain 11; plus strand). Cytogenetic location: 7p15.3.
Variant type: single nucleotide variant.
Coding change: c.2667+1G>C on transcript NM_001277115.2 (MANE Select); the canonical splice donor site of the intron after coding-DNA position 2667, G replaced by C.
Molecular consequence: splice donor variant.
Genome position (GRCh38, 1-based): chr7:21,591,578, G>C. VCF-style: chr7-21591578-G-C. GRCh37 (hg19) VCF-style: chr7-21631196-G-C.
Identifiers: ClinVar variation 2795058 (VCV002795058.3), dbSNP rs1784691873, ClinGen allele CA366943202.
Genomic context (GRCh38, chr7:21,591,578, plus strand): 5'-TTTACAAAAAAATACAAGTTAATCCAAGGAGATGGCTGCAAGATCCACAACTTGGTCGAG[G>C]TAATGGCTTTTAACCTTTCAAGATTTATAGATCTTTTCATTGAGTTCAGAGAAGAGCAAA-3'